The following is an entry in ClinVar:

NM_012123.4(MTO1):c.1430G>A (p.Arg477His)

Gene: MTO1 (mitochondrial tRNA translation optimization 1; plus strand). Cytogenetic location: 6q13.
Variant type: single nucleotide variant.
Coding change: c.1430G>A on transcript NM_012123.4 (MANE Select); coding-DNA position 1430, G replaced by A.
Protein change: p.Arg477His; replaces arginine 477 with histidine.
Molecular consequence: missense variant.
Genome position (GRCh38, 1-based): chr6:73,482,209, G>A. VCF-style: chr6-73482209-G-A. GRCh37 (hg19) VCF-style: chr6-74191932-G-A.
Other names: c.1550G>A, p.Arg517His (NM_001123226.2); c.1505G>A, p.Arg502His (NM_133645.3); short protein forms R477H, R502H, R517H.
Identifiers: ClinVar variation 89037 (VCV000089037.43), dbSNP rs201544686, ClinGen allele CA145451.

ClinVar aggregate classification (germline): Conflicting classifications of pathogenicity. Review status: criteria provided, conflicting classifications (1 of 4 stars). 11 submissions from 11 submitters: Pathogenic (7); Likely pathogenic (2); Uncertain significance (1). 1 of the submissions does not count toward it. Last evaluated 2026-04-24.

Conditions:
MTO1-related disorder. Also called: MTO1-related condition.
Inborn genetic diseases. Identifiers: MedGen C0950123, MeSH D030342.
Mitochondrial hypertrophic cardiomyopathy with lactic acidosis due to MTO1 deficiency. Also called: CARDIOMYOPATHY, INFANTILE HYPERTROPHIC MITOCHONDRIAL, AND LACTIC ACIDOSIS; Combined oxidative phosphorylation deficiency 10. Identifiers: Orphanet 314637, MedGen C4749921, MONDO:0013865, OMIM 614702.

Allele frequency attached by ClinVar (database versions not stated): gnomAD exomes 0.00014 and 0.00017; TOPMed 0.00014; 1000 Genomes Project 30x 0.00016; 1000 Genomes Project 0.00020; ExAC 0.00023; gnomAD 0.00027 and 0.00028; ESP Exome Variant Server 0.00031.
gnomAD v4.1: 239 of 1,614,060 alleles (0.015%); highest among the groups gnomAD compares: Non-Finnish European, 0.016%; no homozygotes.

Submissions (11):

PreventionGenetics, part of Exact Sciences
Classification: Pathogenic for MTO1-related condition. Last evaluated: 2026-04-24. Review status: criteria provided, single submitter. Criteria: ACMG Guidelines, 2015. Collection method: clinical testing. Allele origin: germline.
Comment: The MTO1 c.1430G>A variant is predicted to result in the amino acid substitution p.Arg477His. This variant has been reported in the compound heterozygous state with a second MTO1 variant in several individuals with hypertrophic cardiomyopathy, lactic acidosis and respiratory chain deficiency (Baruffini et al. 2013. PubMed ID: 23929671; O'Byrne et al. 2018. PubMed ID: 29331171). This variant in the heterozygous condition has been reported in one individual with cerebral small vessel disease (reported as c.1505G>A, p.Arg502His, Dunn et al. 2022. PubMed ID: 35699875). In a functional study using yeast cells, the substitution (described as mto1R481H in yeast) lead to a moderate decrease in oxidative growth, respiratory activity and mitochondrial complex IV activity. Additionally, transfection with wild-type MTO1 resulted in increased mitochondrial respiration rate in patient fibroblast cells (Baruffini et al. 2013. PubMed ID: 23929671). An alternate substitution of the same amino acid (p.Arg477Cys) has also been reported in the compound heterozygous state with a second rare MTO1 variant in an affected patient (O'Byrne et al. 2018. PubMed ID: 29331171). This variant is reported in 0.072% of alleles in individuals of European (Finnish) descent in gnomAD. Taken together, this variant is interpreted as pathogenic.

Labcorp Genetics (formerly Invitae), Labcorp
Classification: Pathogenic for Mitochondrial hypertrophic cardiomyopathy with lactic acidosis due to MTO1 deficiency. Last evaluated: 2026-01-26. Review status: criteria provided, single submitter. Criteria: Invitae Variant Classification Sherloc (09022015). Collection method: clinical testing. Allele origin: germline.
Comment: This sequence change replaces arginine, which is basic and polar, with histidine, which is basic and polar, at codon 477 of the MTO1 protein (p.Arg477His). This variant is present in population databases (rs201544686, gnomAD 0.08%). This missense change has been observed in individuals with combined oxidative phosphorylation deficiency (PMID: 23929671, 29331171, 29440775). ClinVar contains an entry for this variant (Variation ID: 89037). Invitae Evidence Modeling of protein sequence and biophysical properties (such as structural, functional, and spatial information, amino acid conservation, physicochemical variation, residue mobility, and thermodynamic stability) has been performed for this missense variant. However, the output from this modeling did not meet the statistical confidence thresholds required to predict the impact of this variant on MTO1 protein function. Experimental studies have shown that this missense change affects MTO1 function (PMID: 23929671). For these reasons, this variant has been classified as Pathogenic.

Dasa
Classification: Pathogenic. Last evaluated: 2026-01-23. Review status: criteria provided, single submitter. Criteria: DASA Assertion Criteria. Collection method: clinical testing. Allele origin: germline.
Comment: NM_012123.4(MTO1):c.1430G>A (p.Arg477His) is a missense variant that results in the substitution of arginine with histidine. The affected residue or protein region has prior evidence supporting clinical relevance. This variant has been observed in affected individuals with related phenotype in a genotype context consistent with recessive disease (PMID: 23929671; PMID: 29331171; PMID: 29440775). Functional evidence supports a deleterious effect on the gene or gene product (PMID: 23929671; PMID: 29331171; PMID: 29440775). This variant has been recurrently observed in individuals with related phenotype (PMID: 23929671; PMID: 29331171; PMID: 29440775). Multiple computational predictions support a deleterious effect on the gene or gene product. The variant is present at low frequency in population datasets. Based on the available data, this variant is classified as pathogenic.

CeGaT Center for Human Genetics Tuebingen
Classification: Likely pathogenic. Last evaluated: 2025-12-01. Review status: criteria provided, single submitter. Criteria: CeGaT Center For Human Genetics Tuebingen Variant Classification Criteria Version 2. Collection method: clinical testing. Allele origin: germline. Affected: yes. Observed: 3 variant alleles.
Comment: MTO1: PM2, PM3, PM5

Laboratory of Genetics, Children's Clinical University Hospital Latvia
Classification: Pathogenic. Last evaluated: 2025-02-16. Review status: criteria provided, single submitter. Criteria: ACMG Guidelines, 2015. Collection method: clinical testing. Allele origin: germline. Affected: yes.

Blueprint Genetics
Classification: Pathogenic for MTO1-related disorders. Last evaluated: 2024-10-23. Review status: criteria provided, single submitter. Criteria: ACMG Guidelines, 2015. Collection method: clinical testing. Allele origin: germline. Affected: yes. Observed: 5 variant alleles.

Ambry Genetics
Classification: Uncertain significance for Inborn genetic diseases. Last evaluated: 2022-05-16. Review status: criteria provided, single submitter. Criteria: Ambry Variant Classification Scheme 2023. Collection method: clinical testing. Allele origin: germline.
Comment: The c.1550G>A (p.R517H) alteration is located in exon 9 (coding exon 9) of the MTO1 gene. This alteration results from a G to A substitution at nucleotide position 1550, causing the arginine (R) at amino acid position 517 to be replaced by a histidine (H). Based on data from gnomAD, the A allele has an overall frequency of 0.02% (52/282870) total alleles studied. The highest observed frequency was 0.07% (18/25122) of European (Finnish) alleles. This alteration has been detected in conjunction with a second MTO1 variant in multiple patients with combined oxidative phosphorylation deficiency (Baruffini, 2013; Kamps, 2018; O'Byrne, 2018). This amino acid position is highly conserved in available vertebrate species. Functional studies in yeast show this variant has a moderate effect on oxidative growth and respiratory activity (Baruffini, 2013). This alteration is predicted to be deleterious by in silico analysis. Based on insufficient or conflicting evidence, the clinical significance of this alteration remains unclear.

Centre for Mendelian Genomics, University Medical Centre Ljubljana
Classification: Pathogenic for Mitochondrial hypertrophic cardiomyopathy with lactic acidosis due to MTO1 deficiency. Last evaluated: 2019-08-16. Review status: criteria provided, single submitter. Criteria: ACMG Guidelines, 2015. Collection method: clinical testing. Allele origin: unknown. Affected: yes.
Comment: This variant was classified as: Pathogenic. The following ACMG criteria were applied in classifying this variant: PS1,PM2,PM3,PS3,PP3.

Institute of Human Genetics Munich, TUM University Hospital
Classification: Pathogenic for Mitochondrial hypertrophic cardiomyopathy with lactic acidosis due to MTO1 deficiency. Last evaluated: 2017-11-08. Review status: criteria provided, single submitter. Criteria: Classification criteria August 2017. Collection method: clinical testing. Allele origin: maternal, germline. Inheritance: Autosomal recessive inheritance. Affected: yes. Observed: 2 compound heterozygotes.

Center for Pediatric Genomic Medicine, Children's Mercy Hospital and Clinics
Classification: Likely pathogenic. Last evaluated: 2015-12-03. Review status: criteria provided, single submitter. Criteria: ACMG Guidelines, 2015. Collection method: clinical testing. Allele origin: germline.

OMIM
Classification: Pathogenic for COMBINED OXIDATIVE PHOSPHORYLATION DEFICIENCY 10. Last evaluated: 2013-11-01. Review status: no assertion criteria provided. Collection method: literature only. Allele origin: germline. Not counted in ClinVar's aggregate classification.

Literature cited by the submitters: PubMed 23929671 (cited by 4 submitters); PubMed 29331171 (cited by 3 submitters); PubMed 29440775 (cited by 3 submitters).